The following is an entry in ClinVar:

ClinVar aggregate classification (germline): Uncertain significance (1 of 4 stars; one submission).

Conditions:
Pigmentary pallidal degeneration (NBIA1). Also called: Pantothenate Kinase-Associated Neurodegeneration; Neuroaxonal dystrophy, late infantile; Hallervorden-Spatz disease; HARP SYNDROME; PKAN NEUROAXONAL DYSTROPHY, JUVENILE-ONSET; Neurodegeneration with brain iron accumulation 1. Identifiers: Orphanet 157850, MedGen C0018523, MONDO:0009319, OMIM 234200.

Submission:

Labcorp Genetics (formerly Invitae), Labcorp
Classification: Uncertain significance for Pigmentary pallidal degeneration. Last evaluated: 2022-01-13. Review status: criteria provided, single submitter. Criteria: Invitae Variant Classification Sherloc (09022015). Collection method: clinical testing. Allele origin: germline.
Comment: This variant is not present in population databases (gnomAD no frequency). This sequence change replaces aspartic acid, which is acidic and polar, with tyrosine, which is neutral and polar, at codon 378 of the PANK2 protein (p.Asp378Tyr). This variant has not been reported in the literature in individuals affected with PANK2-related conditions. Algorithms developed to predict the effect of missense changes on protein structure and function are either unavailable or do not agree on the potential impact of this missense change (SIFT: "Deleterious"; PolyPhen-2: "Possibly Damaging"; Align-GVGD: "Class C15"). This variant disrupts the p.Asp378 amino acid residue in PANK2. Other variant(s) that disrupt this residue have been determined to be pathogenic (PMID: 15747360, 20193558, 26828213). This suggests that this residue is clinically significant, and that variants that disrupt this residue are likely to be disease-causing. In summary, the available evidence is currently insufficient to determine the role of this variant in disease. Therefore, it has been classified as a Variant of Uncertain Significance.

Literature cited by the submitters: PubMed 15747360; PubMed 20193558; PubMed 26828213.

NM_001386393.1(PANK2):c.802G>T (p.Asp268Tyr)

Gene: PANK2 (pantothenate kinase 2; plus strand). Cytogenetic location: 20p13.
Variant type: single nucleotide variant.
Coding change: c.802G>T on transcript NM_001386393.1 (MANE Select); coding-DNA position 802, G replaced by T.
Protein change: p.Asp268Tyr; replaces aspartic acid 268 with tyrosine.
Molecular consequence: missense variant. On other transcripts: 5 prime UTR variant (1), non-coding transcript variant (1).
Genome position (GRCh38, 1-based): chr20:3,910,727, G>T. VCF-style: chr20-3910727-G-T. GRCh37 (hg19) VCF-style: chr20-3891374-G-T.
Other names: c.259G>T, p.Asp87Tyr (NM_001324191.2, NM_024960.6, NM_153640.4); c.-177G>T (NM_001324193.2); c.1132G>T, p.Asp378Tyr (NM_153638.4); short protein forms D378Y, D268Y, D87Y.
Identifiers: ClinVar variation 2082126 (VCV002082126.4), dbSNP rs2515500001, ClinGen allele CA408115173.
Genomic context (GRCh38, chr20:3,910,727, plus strand): 5'-TCACAGTGCTATTACTTTGAAAACCCTGCTGATTCTGAAAAGTGTCAGAAGTTACCATTT[G>T]ATTTGAAAAATCCGTATCCTCTGCTTCTGGTGAACATTGGCTCAGGGGTTAGCATCTTAG-3'
Protein context (NP_001373322.1, residues 258-278): DSEKCQKLPF[Asp268Tyr]LKNPYPLLLV